The following is an entry in ClinVar:

ClinVar aggregate classification (germline): Likely pathogenic (1 of 4 stars; one submission).

Submission:

GeneDx
Classification: Likely pathogenic. Last evaluated: 2016-11-29. Review status: criteria provided, single submitter. Criteria: GeneDx Variant Classification (06012015). Collection method: clinical testing. Allele origin: germline. Affected: yes.
Comment: The c.5030_5031delAA variant in the ANKRD11 gene has not been reported previously as a pathogenic variant, nor as a benign variant, to our knowledge. The c.5030_5031delAA variant causes a frameshift starting with codon Lysine 1677, changes this amino acid to a Arginine residue, and creates a premature Stop codon at position 19 of the new reading frame, denoted p.Lys1677ArgfsX19. This variant is predicted to cause loss of normal protein function either through protein truncation or nonsense-mediated mRNA decay. The c.5030_5031delAA variant was not observed in approximately 6,500 individuals of European and African American ancestry in the NHLBI Exome Sequencing Project, indicating it is not a common benign variant in these populations. Therefore, we interpret c.5030_5031delAA as a likely pathogenic variant.

NM_013275.6(ANKRD11):c.5030_5031del (p.Lys1677fs)

Gene: ANKRD11 (ankyrin repeat domain containing 11; minus strand). Cytogenetic location: 16q24.3.
Variant type: Deletion.
Coding change: c.5030_5031del on transcript NM_013275.6 (MANE Select); coding-DNA positions 5030 to 5031, 2 bases deleted (AA; older notation c.5030_5031delAA).
Protein change: p.Lys1677fs; shifts the reading frame from lysine 1677.
Molecular consequence: frameshift variant.
Genome position (GRCh38, 1-based): chr16:89,281,511-89,281,512, TT deleted on the plus strand (AA on the coding strand, the reverse complement: ANKRD11 is on the minus strand); deleting any 2 consecutive bases within chr16:89,281,511-89,281,513 gives the same sequence; the c. name uses the placement nearest the transcript's 3' end. VCF-style (leftmost placement, unchanged base first): chr16-89281510-CTT-C. GRCh37 (hg19) VCF-style: chr16-89347918-CTT-C.
Other names: c.5030_5031del, p.Lys1677fs (NM_001256182.2, NM_001256183.2); short protein forms K1677fs.
Identifiers: ClinVar variation 373733 (VCV000373733.1), dbSNP rs1057518578, ClinGen allele CA16043097.